The following is an entry in ClinVar:

ClinVar aggregate classification (germline): Uncertain significance. Review status: criteria provided, multiple submitters, no conflicts (2 of 4 stars). 2 submissions from 2 submitters: Uncertain significance (2). Last evaluated 2025-08-12.

Conditions:
Inborn genetic diseases. Identifiers: MedGen C0950123, MeSH D030342.
Myoclonic dystonia 26. Identifiers: MedGen C4225341, MONDO:0014620, OMIM 616398.

Allele frequency attached by ClinVar (database versions not stated): gnomAD 0.00001; gnomAD exomes 0.00004 and 0.00014; TOPMed 0.00009; ExAC 0.00014.
gnomAD v4.1: 54 of 1,612,200 alleles (0.0033%); highest among the groups gnomAD compares: Admixed American, 0.07%; no homozygotes.

Submissions (2):

Ambry Genetics
Classification: Uncertain significance for Inborn genetic diseases. Last evaluated: 2025-08-12. Review status: criteria provided, single submitter. Criteria: Ambry Variant Classification Scheme 2023. Collection method: clinical testing. Allele origin: germline.

Labcorp Genetics (formerly Invitae), Labcorp
Classification: Uncertain significance for Myoclonic dystonia 26. Last evaluated: 2018-10-22. Review status: criteria provided, single submitter. Criteria: Invitae Variant Classification Sherloc (09022015). Collection method: clinical testing. Allele origin: germline.
Comment: In summary, the available evidence is currently insufficient to determine the role of this variant in disease. Therefore, it has been classified as a Variant of Uncertain Significance. Algorithms developed to predict the effect of missense changes on protein structure and function (SIFT, PolyPhen-2, Align-GVGD) all suggest that this variant is likely to be disruptive, but these predictions have not been confirmed by published functional studies and their clinical significance is uncertain. This variant has not been reported in the literature in individuals with KCTD17-related disease. This variant is present in population databases (rs750023360, ExAC 0.1%). This sequence change replaces glycine with alanine at codon 107 of the KCTD17 protein (p.Gly107Ala). The glycine residue is highly conserved and there is a small physicochemical difference between glycine and alanine.

NM_001282684.2(KCTD17):c.299G>C (p.Gly100Ala)

Gene: KCTD17 (potassium channel tetramerization domain containing 17; plus strand). Cytogenetic location: 22q12.3.
Variant type: single nucleotide variant.
Coding change: c.299G>C on transcript NM_001282684.2 (MANE Select); coding-DNA position 299, G replaced by C.
Protein change: p.Gly100Ala; replaces glycine 100 with alanine.
Molecular consequence: missense variant.
Genome position (GRCh38, 1-based): chr22:37,056,320, G>C. VCF-style: chr22-37056320-G-C. GRCh37 (hg19) VCF-style: chr22-37452360-G-C.
Other names: c.299G>C, p.Gly100Ala (NM_001282685.2, NM_001282686.2, NM_024681.4); c.320G>C (NM_024681.2); short protein forms G107A, G100A.
Identifiers: ClinVar variation 640218 (VCV000640218.10), dbSNP rs750023360, ClinGen allele CA10214992.